The following is an entry in ClinVar:

ClinVar aggregate classification (germline): Likely benign. Review status: criteria provided, multiple submitters, no conflicts (2 of 4 stars). 2 submissions from 2 submitters: Likely benign (2). Last evaluated 2025-09-06.

Conditions:
Methylcobalamin deficiency type cblE (HMAE). Also called: HOMOCYSTINURIA-MEGALOBLASTIC ANEMIA, cblE TYPE; VITAMIN B12-RESPONSIVE HOMOCYSTINURIA, cblE TYPE; HOMOCYSTINURIA-MEGALOBLASTIC ANEMIA, cblE COMPLEMENTATION TYPE. Identifiers: Orphanet 2169, Orphanet 622, MedGen C1856057, MONDO:0009354, OMIM 236270.

Allele frequency attached by ClinVar (database versions not stated): gnomAD exomes 0.00001 and 0.00002; gnomAD 0.00002 and 0.00003; TOPMed 0.00002.
gnomAD v4.1: 16 of 1,614,128 alleles (0.00099%); highest among the groups gnomAD compares: African/African-American, 0.004%; no homozygotes.

Submissions (2):

Labcorp Genetics (formerly Invitae), Labcorp
Classification: Likely benign for Methylcobalamin deficiency type cblE. Last evaluated: 2025-09-06. Review status: criteria provided, single submitter. Criteria: Invitae Variant Classification Sherloc (09022015). Collection method: clinical testing. Allele origin: germline.

GeneDx
Classification: Likely benign. Last evaluated: 2016-03-01. Review status: criteria provided, single submitter. Criteria: GeneDx Variant Classification (06012015). Collection method: clinical testing. Allele origin: germline. Affected: yes.
Comment: This variant is considered likely benign or benign based on one or more of the following criteria: it is a conservative change, it occurs at a poorly conserved position in the protein, it is predicted to be benign by multiple in silico algorithms, and/or has population frequency not consistent with disease.

NM_002454.3(MTRR):c.1641C>T (p.Thr547=)

Gene: MTRR (5-methyltetrahydrofolate-homocysteine methyltransferase reductase; plus strand). Cytogenetic location: 5p15.31.
Variant type: single nucleotide variant.
Coding change: c.1641C>T on transcript NM_002454.3 (MANE Select); coding-DNA position 1641, C replaced by T.
Protein change: p.Thr547=; no amino-acid change (threonine 547 retained).
Molecular consequence: synonymous variant. On other transcripts: non-coding transcript variant (14).
Genome position (GRCh38, 1-based): chr5:7,895,817, C>T. VCF-style: chr5-7895817-C-T. GRCh37 (hg19) VCF-style: chr5-7895930-C-T.
Other names: c.1641C>T, p.Thr547= (NM_001364440.2, NM_001364441.2, NM_001364442.2 and 1 more transcripts).
Identifiers: ClinVar variation 383486 (VCV000383486.10), dbSNP rs1044675786, ClinGen allele CA16604926.